The following is an entry in ClinVar:

ClinVar aggregate classification (germline): Likely pathogenic. Review status: criteria provided, multiple submitters, no conflicts (2 of 4 stars). 2 submissions from 2 submitters: Likely pathogenic (2). Last evaluated 2023-05-02.

Conditions:
Glaucoma 3, primary congenital, E (GLC3E). Identifiers: MedGen C4310639, MONDO:0014998, OMIM 617272.

Submissions (2):

GeneDx
Classification: Likely pathogenic. Last evaluated: 2023-05-02. Review status: criteria provided, single submitter. Criteria: GeneDx Variant Classification Process June 2021. Collection method: clinical testing. Allele origin: germline. Affected: yes.
Comment: Frameshift variant predicted to result in protein truncation or nonsense mediated decay in a gene for which loss of function is a known mechanism of disease; Not observed at significant frequency in large population cohorts (gnomAD); Has not been previously published as pathogenic or benign to our knowledge

New York Genome Center
Classification: Likely pathogenic for Glaucoma 3, primary congenital, E. Last evaluated: 2023-03-02. Review status: criteria provided, single submitter. Criteria: NYGC Assertion Criteria 2020. Collection method: clinical testing. Allele origin: inherited. Observed: 1 variant allele, 1 heterozygote.
Comment: The inherited, heterozygous c.1328_1329dup, p.(Leu444PhefsTer6) variant identified in the TEK gene is a 2 base pair duplication predicted to result in a frameshift of the protein at amino acid 444/1125 (exon 10/23) resulting in a premature termination of the protein approximately 6 amino acids downstream and is predicted to undergo nonsense mediated decay resulting in loss of function. This variant is absent from population databases (gnomADv2.1.1, gnomADv3.1.2, BRAVO-TOPMed, All of Us) suggesting it is not a common benign variant in the populations represented in those databases. This variant is absent from ClinVar and to our current knowledge has not been reported in affected individuals in the literature, though nonsense and frameshift variants both upstream and downstream of the one reported here have been reported in individuals with glaucoma [PMID:27270174]. Given its deleterious nature and absence in population databases, the inherited, heterozygous c.1328_1329dup, p,(Leu444PhefsTer6) variant identified in the TEK gene is reported as Likely Pathogenic.

NM_000459.5(TEK):c.1328_1329dup (p.Leu444fs)

Gene: TEK (TEK receptor tyrosine kinase; plus strand). Cytogenetic location: 9p21.2.
Variant type: Duplication.
Coding change: c.1328_1329dup on transcript NM_000459.5 (MANE Select); coding-DNA positions 1328 to 1329, 2 bases duplicated (TT; older notation c.1328_1329dupTT).
Protein change: p.Leu444fs; shifts the reading frame from leucine 444.
Molecular consequence: frameshift variant.
Genome position (GRCh38, 1-based): chr9:27,190,529-27,190,530, TT duplicated. VCF-style (leftmost placement, unchanged base first): chr9-27190528-G-GTT. GRCh37 (hg19) VCF-style: chr9-27190526-G-GTT.
Other names: c.1199_1200dup, p.Leu401fs (NM_001290077.2, NM_001375476.1); c.887_888dup, p.Leu297fs (NM_001290078.2); c.1328_1329dup, p.Leu444fs (NM_001375475.1); short protein forms L297fs, L401fs, L444fs.
Identifiers: ClinVar variation 3343317 (VCV003343317.2).